The following is an entry in ClinVar:

NM_000081.4(LYST):c.3345T>A (p.His1115Gln)

Gene: LYST (lysosomal trafficking regulator; minus strand). Cytogenetic location: 1q42.3.
Variant type: single nucleotide variant.
Coding change: c.3345T>A on transcript NM_000081.4 (MANE Select); coding-DNA position 3345, T replaced by A.
Protein change: p.His1115Gln; replaces histidine 1115 with glutamine.
Molecular consequence: missense variant.
Genome position (GRCh38, 1-based): chr1:235,805,791, A>T on the plus strand (T>A on the coding strand, the complement: LYST is on the minus strand). VCF-style: chr1-235805791-A-T. GRCh37 (hg19) VCF-style: chr1-235969091-A-T.
Other names: c.3345T>A, p.His1115Gln (NM_001301365.1); short protein forms H1115Q.
Identifiers: ClinVar variation 834874 (VCV000834874.9), dbSNP rs2527070026, ClinGen allele CA344951285.

ClinVar aggregate classification (germline): Uncertain significance (1 of 4 stars; one submission).

Conditions:
Chédiak-Higashi syndrome (CHS). Also called: Chediak-Higashi Syndrome. Identifiers: Orphanet 167, MedGen C0007965, MONDO:0008963, OMIM 214500.

Submission:

Labcorp Genetics (formerly Invitae), Labcorp
Classification: Uncertain significance for Chédiak-Higashi syndrome. Last evaluated: 2022-09-27. Review status: criteria provided, single submitter. Criteria: Invitae Variant Classification Sherloc (09022015). Collection method: clinical testing. Allele origin: germline.
Comment: This variant is not present in population databases (gnomAD no frequency). In summary, the available evidence is currently insufficient to determine the role of this variant in disease. Therefore, it has been classified as a Variant of Uncertain Significance. Algorithms developed to predict the effect of sequence changes on RNA splicing suggest that this variant may create or strengthen a splice site. Advanced modeling of protein sequence and biophysical properties (such as structural, functional, and spatial information, amino acid conservation, physicochemical variation, residue mobility, and thermodynamic stability) performed at Invitae indicates that this missense variant is not expected to disrupt LYST protein function. ClinVar contains an entry for this variant (Variation ID: 834874). This variant has not been reported in the literature in individuals affected with LYST-related conditions. This sequence change replaces histidine, which is basic and polar, with glutamine, which is neutral and polar, at codon 1115 of the LYST protein (p.His1115Gln).